The following is an entry in ClinVar:

ClinVar aggregate classification (germline): Pathogenic (1 of 4 stars; one submission).

Submission:

Labcorp Genetics (formerly Invitae), Labcorp
Classification: Pathogenic. Last evaluated: 2019-03-28. Review status: criteria provided, single submitter. Criteria: Invitae Variant Classification Sherloc (09022015). Collection method: clinical testing. Allele origin: germline.
Comment: For these reasons, this variant has been classified as Pathogenic. Loss-of-function variants in ADPRHL2 are known to be pathogenic (PMID: 30100084, 30401461). This variant has not been reported in the literature in individuals with ADPRHL2-related conditions. This variant is not present in population databases (ExAC no frequency). This sequence change creates a premature translational stop signal (p.Ala139Valfs*2) in the ADPRHL2 gene. It is expected to result in an absent or disrupted protein product.

Literature cited by the submitters: PubMed 30100084; PubMed 30401461.

NM_017825.3(ADPRS):c.416_426del (p.Ala139fs)

Gene: ADPRS (ADP-ribosylserine hydrolase; plus strand). Cytogenetic location: 1p34.3.
Variant type: Deletion.
Coding change: c.416_426del on transcript NM_017825.3 (MANE Select); coding-DNA positions 416 to 426, 11 bases deleted (CCCGGGCCCAG).
Protein change: p.Ala139fs; shifts the reading frame from alanine 139.
Molecular consequence: frameshift variant.
Genome position (GRCh38, 1-based): chr1:36,091,725-36,091,735, CCCGGGCCCAG deleted; deleting any 11 consecutive bases within chr1:36,091,724-36,091,735 gives the same sequence; the c. name uses the placement nearest the transcript's 3' end. VCF-style (leftmost placement, unchanged base first): chr1-36091723-TGCCCGGGCCCA-T. GRCh37 (hg19) VCF-style: chr1-36557324-TGCCCGGGCCCA-T.
Other names: short protein forms A139fs.
Identifiers: ClinVar variation 852549 (VCV000852549.7), dbSNP rs1643486648, ClinGen allele CA916082011.